The following is an entry in ClinVar:

ClinVar aggregate classification (germline): Uncertain significance (1 of 4 stars; one submission).

Conditions:
Early onset severe obesity. Identifiers: MedGen C4013980.

Submission:

Cambridge Genomics Laboratory, East Genomic Laboratory Hub, NHS Genomic Medicine Service
Classification: Uncertain significance for Severe early-onset obesity. Last evaluated: 2026-06-18. Review status: criteria provided, single submitter. Criteria: ACGS Best Practice Guidelines for Variant Classification in Rare Disease 2020. Collection method: clinical testing. Allele origin: germline. Affected: yes.
Comment: PM2

NM_016592.5(GNAS):c.562_569del (p.Pro188fs)

Genes: GNAS (GNAS complex locus; plus strand), GNAS-AS1 (GNAS antisense RNA 1; minus strand). Cytogenetic location: 20q13.32.
Variant type: Deletion.
Coding change: c.562_569del on transcript NM_016592.5 (MANE Plus Clinical); coding-DNA positions 562 to 569, 8 bases deleted (CCCAGGGA; older notation c.562_569delCCCAGGGA).
Protein change: p.Pro188fs; shifts the reading frame from proline 188.
Molecular consequence: frameshift variant. On other transcripts: 5 prime UTR variant (1).
Genome position (GRCh38, 1-based): chr20:58,840,668-58,840,675, CCCAGGGA deleted. VCF-style (leftmost placement, unchanged base first): chr20-58840667-CCCCAGGGA-C. GRCh37 (hg19) VCF-style: chr20-57415722-CCCCAGGGA-C.
Other names: c.-176_-169del (NM_001410912.1); short protein forms P188fs.
Identifiers: ClinVar variation 4876248 (VCV004876248.1).